The following is an entry in ClinVar:

NM_000548.5(TSC2):c.1946+4C>T

Gene: TSC2 (TSC complex subunit 2; plus strand). Cytogenetic location: 16p13.3.
Variant type: single nucleotide variant.
Coding change: c.1946+4C>T on transcript NM_000548.5 (MANE Select); 4 bases into the intron after coding-DNA position 1946, C replaced by T.
Molecular consequence: intron variant.
Genome position (GRCh38, 1-based): chr16:2,071,620, C>T. VCF-style: chr16-2071620-C-T. GRCh37 (hg19) VCF-style: chr16-2121621-C-T.
Other names: c.1946+4C>T (NM_000548.4, NM_001114382.3, NM_021055.3 and 4 more transcripts); c.1835+4C>T (NM_001318827.2); c.1346+4C>T (NM_001318831.2); c.1799+4C>T (NM_001318829.2); c.1979+4C>T (NM_001318832.2).
Identifiers: ClinVar variation 405982 (VCV000405982.20), dbSNP rs752017577, ClinGen allele CA034937.
Genomic context (GRCh38, chr16:2,071,620, plus strand): 5'-CCTGCCCAACAAGGATGGAGTCGTGCGGTTCAGCCCCTACTGCGTCTGCGACTACATGTA[C>T]GCGGGACCTCGCCCACGGCCCATGAGGCTCAGGGCGTCAGAGGCGCTGGGGCTGTGGTGG-3'

ClinVar aggregate classification (germline): Conflicting classifications of pathogenicity. Review status: criteria provided, conflicting classifications (1 of 4 stars). 5 submissions from 5 submitters: Uncertain significance (1); Benign (2); Likely benign (2). Last evaluated 2026-03-24.

Conditions:
TSC2-related disorder. Also called: TSC2-related condition; TSC2-Related Disorders.
Hereditary cancer-predisposing syndrome. Also called: Neoplastic Syndromes, Hereditary; Tumor predisposition; Hereditary Cancer Syndrome; Hereditary neoplastic syndrome. Identifiers: Orphanet 140162, MedGen C0027672, MeSH D009386, MONDO:0015356.
Tuberous sclerosis 2 (TSC2). Identifiers: Orphanet 805, MedGen C1860707, MONDO:0013199, OMIM 613254.

Allele frequency attached by ClinVar (database versions not stated): ExAC 0.00001; gnomAD exomes 0.00001; TOPMed 0.00001.
gnomAD v4.1: 14 of 1,613,258 alleles (0.00087%); highest among the groups gnomAD compares: African/African-American, 0.0013%; no homozygotes.

Submissions (5):

PreventionGenetics, part of Exact Sciences
Classification: Likely benign for TSC2-related condition. Last evaluated: 2026-03-24. Review status: criteria provided, single submitter. Criteria: ACMG Guidelines, 2015. Collection method: clinical testing. Allele origin: germline.
Comment: This variant is classified as likely benign based on ACMG/AMP sequence variant interpretation guidelines (Richards et al. 2015 PMID: 25741868, with internal and published modifications).

Labcorp Genetics (formerly Invitae), Labcorp
Classification: Benign for Tuberous sclerosis 2. Last evaluated: 2025-10-29. Review status: criteria provided, single submitter. Criteria: Invitae Variant Classification Sherloc (09022015). Collection method: clinical testing. Allele origin: germline.

Quest Diagnostics Nichols Institute San Juan Capistrano
Classification: Uncertain significance. Last evaluated: 2025-04-08. Review status: criteria provided, single submitter. Criteria: Quest Diagnostics criteria. Collection method: clinical testing. Allele origin: unknown.

Genome-Nilou Lab
Classification: Benign for Tuberous sclerosis 2. Last evaluated: 2021-11-07. Review status: criteria provided, single submitter. Criteria: ACMG Guidelines, 2015. Collection method: clinical testing. Allele origin: germline. Affected: no.

Ambry Genetics
Classification: Likely benign for Hereditary cancer-predisposing syndrome. Last evaluated: 2019-07-22. Review status: criteria provided, single submitter. Criteria: Ambry Variant Classification Scheme 2023. Collection method: clinical testing. Allele origin: germline.